The following is an entry in ClinVar:

NM_001330078.2(NRXN1):c.832+6A>G

Gene: NRXN1 (neurexin 1; minus strand). Cytogenetic location: 2p16.3.
Variant type: single nucleotide variant.
Coding change: c.832+6A>G on transcript NM_001330078.2 (MANE Select); 6 bases into the intron after coding-DNA position 832, A replaced by G.
Molecular consequence: intron variant.
Genome position (GRCh38, 1-based): chr2:50,921,863, T>C on the plus strand (A>G on the coding strand, the complement: NRXN1 is on the minus strand). VCF-style: chr2-50921863-T-C. GRCh37 (hg19) VCF-style: chr2-51149001-T-C.
Other names: c.772+105639A>G (NM_001330096.2, NM_001330087.2, NM_001330083.2 and 1 more transcripts); c.802+795A>G (NM_001330088.2); c.829+6A>G (NM_001330093.2, NM_001330079.2); c.820+795A>G (NM_001330094.2); c.832+6A>G (NM_001330095.2, NM_001330082.2, NM_001330077.2 and 5 more transcripts); c.931+6A>G (NM_001135659.3).
Identifiers: ClinVar variation 472653 (VCV000472653.14), dbSNP rs200841589, ClinGen allele CA48023280.
Genomic context (GRCh38, chr2:50,921,863, plus strand): 5'-TTATGTAACTCAGACACACTGTAATTCATACAGATGATATTAAGAAGAAATAAAATAATG[T>C]AATACCTTTACTTTTACCTATGGATTTGATGAAATGGGTCCATGAAGAAAGGGTTTCCAG-3'

ClinVar aggregate classification (germline): Conflicting classifications of pathogenicity. Review status: criteria provided, conflicting classifications (1 of 4 stars). 3 submissions from 3 submitters: Uncertain significance (1); Likely benign (2). Last evaluated 2024-01-24.

Conditions:
Pitt-Hopkins-like syndrome 2 (PTHSL2). Identifiers: Orphanet 221150, Orphanet 600663, MedGen C3280479, MONDO:0013690, OMIM 614325.

Allele frequency attached by ClinVar (database versions not stated): TOPMed 0.00001; gnomAD exomes 0.00002.
gnomAD v4.1: 24 of 1,355,290 alleles (0.0018%); highest among the groups gnomAD compares: Non-Finnish European, 0.0023%; no homozygotes.

Submissions (3):

Labcorp Genetics (formerly Invitae), Labcorp
Classification: Uncertain significance for Pitt-Hopkins-like syndrome 2. Last evaluated: 2024-01-24. Review status: criteria provided, single submitter. Criteria: Invitae Variant Classification Sherloc (09022015). Collection method: clinical testing. Allele origin: germline.
Comment: This sequence change falls in intron 6 of the NRXN1 gene. It does not directly change the encoded amino acid sequence of the NRXN1 protein. It affects a nucleotide within the consensus splice site. The frequency data for this variant in the population databases is considered unreliable, as metrics indicate poor data quality at this position in the gnomAD database. This variant has not been reported in the literature in individuals affected with NRXN1-related conditions. ClinVar contains an entry for this variant (Variation ID: 472653). Variants that disrupt the consensus splice site are a relatively common cause of aberrant splicing (PMID: 17576681, 9536098). Algorithms developed to predict the effect of sequence changes on RNA splicing suggest that this variant is not likely to affect RNA splicing. In summary, the available evidence is currently insufficient to determine the role of this variant in disease. Therefore, it has been classified as a Variant of Uncertain Significance.

Blueprint Genetics
Classification: Likely benign. Last evaluated: 2023-09-05. Review status: criteria provided, single submitter. Criteria: ACMG Guidelines, 2015. Collection method: clinical testing. Allele origin: germline.

GeneDx
Classification: Likely benign. Last evaluated: 2021-04-20. Review status: criteria provided, single submitter. Criteria: GeneDx Variant Classification Process June 2021. Collection method: clinical testing. Allele origin: germline. Affected: yes.
Comment: In silico analysis supports that this variant does not alter splicing

Literature cited by the submitters: PubMed 17576681 (cited by Labcorp Genetics (formerly Invitae), Labcorp); PubMed 9536098 (cited by Labcorp Genetics (formerly Invitae), Labcorp).